The following is an entry in ClinVar:

ClinVar aggregate classification (germline): Likely pathogenic (1 of 4 stars; one submission).

Conditions:
COG7 congenital disorder of glycosylation (CDG2E). Also called: CONGENITAL DISORDER OF GLYCOSYLATION, TYPE IIe; CDG IIe. Identifiers: Orphanet 79333, MedGen C2931010, MONDO:0012118, OMIM 608779.

Submission:

Labcorp Genetics (formerly Invitae), Labcorp
Classification: Likely pathogenic for COG7 congenital disorder of glycosylation. Last evaluated: 2024-04-22. Review status: criteria provided, single submitter. Criteria: Invitae Variant Classification Sherloc (09022015). Collection method: clinical testing. Allele origin: germline.
Comment: This sequence change replaces leucine, which is neutral and non-polar, with arginine, which is basic and polar, at codon 283 of the COG7 protein (p.Leu283Arg). This variant is not present in population databases (gnomAD no frequency). This missense change has been observed in individual(s) with COG7-related conditions (Invitae). In at least one individual the data is consistent with being in trans (on the opposite chromosome) from a pathogenic variant. Advanced modeling of protein sequence and biophysical properties (such as structural, functional, and spatial information, amino acid conservation, physicochemical variation, residue mobility, and thermodynamic stability) performed at Invitae indicates that this missense variant is expected to disrupt COG7 protein function with a positive predictive value of 80%. In summary, the currently available evidence indicates that the variant is pathogenic, but additional data are needed to prove that conclusively. Therefore, this variant has been classified as Likely Pathogenic.

NM_153603.4(COG7):c.848T>G (p.Leu283Arg)

Gene: COG7 (component of oligomeric golgi complex 7; minus strand). Cytogenetic location: 16p12.2.
Variant type: single nucleotide variant.
Coding change: c.848T>G on transcript NM_153603.4 (MANE Select); coding-DNA position 848, T replaced by G.
Protein change: p.Leu283Arg; replaces leucine 283 with arginine.
Molecular consequence: missense variant.
Genome position (GRCh38, 1-based): chr16:23,424,910, A>C on the plus strand (T>G on the coding strand, the complement: COG7 is on the minus strand). VCF-style: chr16-23424910-A-C. GRCh37 (hg19) VCF-style: chr16-23436231-A-C.
Other names: short protein forms L283R.
Identifiers: ClinVar variation 2813996 (VCV002813996.3), dbSNP rs2506619664, ClinGen allele CA395121560.